The following is an entry in ClinVar:

ClinVar aggregate classification (germline): Uncertain significance (1 of 4 stars; one submission).

Allele frequency attached by ClinVar (database versions not stated): TOPMed below 0.00001.

Submission:

Ambry Genetics
Classification: Uncertain significance. Last evaluated: 2024-01-16. Review status: criteria provided, single submitter. Criteria: Ambry Variant Classification Scheme 2023. Collection method: clinical testing. Allele origin: germline.
Comment: The p.V1581L variant (also known as c.4741G>C), located in coding exon 4 of the ALPK2 gene, results from a G to C substitution at nucleotide position 4741. The valine at codon 1581 is replaced by leucine, an amino acid with highly similar properties. This amino acid position is conserved. In addition, this alteration is predicted to be tolerated by in silico analysis. Since supporting evidence is limited at this time, the clinical significance of this alteration remains unclear.

NM_052947.4(ALPK2):c.4741G>C (p.Val1581Leu)

Genes: ALPK2 (alpha kinase 2; minus strand), LOC126862764 (BRD4-independent group 4 enhancer GRCh37_chr18:56202574-56203773; plus strand). Cytogenetic location: 18q21.31.
Variant type: single nucleotide variant.
Coding change: c.4741G>C on transcript NM_052947.4 (MANE Select); coding-DNA position 4741, G replaced by C.
Protein change: p.Val1581Leu; replaces valine 1581 with leucine.
Molecular consequence: missense variant.
Genome position (GRCh38, 1-based): chr18:58,535,446, C>G on the plus strand (G>C on the coding strand, the complement: ALPK2 is on the minus strand). VCF-style: chr18-58535446-C-G. GRCh37 (hg19) VCF-style: chr18-56202678-C-G.
Other names: short protein forms V1581L.
Identifiers: ClinVar variation 3228768 (VCV003228768.1), dbSNP rs2051639046, ClinGen allele CA402560070.